The following is an entry in ClinVar:

NM_000548.5(TSC2):c.3793C>G (p.Pro1265Ala)

Gene: TSC2 (TSC complex subunit 2; plus strand). Cytogenetic location: 16p13.3.
Variant type: single nucleotide variant.
Coding change: c.3793C>G on transcript NM_000548.5 (MANE Select); coding-DNA position 3793, C replaced by G.
Protein change: p.Pro1265Ala; replaces proline 1265 with alanine.
Molecular consequence: missense variant.
Genome position (GRCh38, 1-based): chr16:2,081,777, C>G. VCF-style: chr16-2081777-C-G. GRCh37 (hg19) VCF-style: chr16-2131778-C-G.
Other names: c.3661C>G, p.Pro1221Ala (NM_001077183.3, NM_001370404.1); c.3793C>G, p.Pro1265Ala (NM_001114382.3); c.3553C>G, p.Pro1185Ala (NM_001318827.2); c.3517C>G, p.Pro1173Ala (NM_001318829.2); c.3061C>G, p.Pro1021Ala (NM_001318831.2); c.3694C>G, p.Pro1232Ala (NM_001318832.2); c.3664C>G, p.Pro1222Ala (NM_001363528.2, NM_001370405.1, NM_021055.3); short protein forms P1021A, P1173A, P1185A, P1221A, P1222A, P1232A, P1265A.
Identifiers: ClinVar variation 1310402 (VCV001310402.4), dbSNP rs45517311, ClinGen allele CA394293530.

ClinVar aggregate classification (germline): Uncertain significance. Review status: criteria provided, multiple submitters, no conflicts (2 of 4 stars). 2 submissions from 2 submitters: Uncertain significance (2). Last evaluated 2024-08-28.

Conditions:
Tuberous sclerosis 2 (TSC2). Identifiers: Orphanet 805, MedGen C1860707, MONDO:0013199, OMIM 613254.

Submissions (2):

Labcorp Genetics (formerly Invitae), Labcorp
Classification: Uncertain significance for Tuberous sclerosis 2. Last evaluated: 2024-08-28. Review status: criteria provided, single submitter. Criteria: Invitae Variant Classification Sherloc (09022015). Collection method: clinical testing. Allele origin: germline.
Comment: This sequence change replaces proline, which is neutral and non-polar, with alanine, which is neutral and non-polar, at codon 1265 of the TSC2 protein (p.Pro1265Ala). This variant is not present in population databases (gnomAD no frequency). This variant has not been reported in the literature in individuals affected with TSC2-related conditions. ClinVar contains an entry for this variant (Variation ID: 1310402). Invitae Evidence Modeling of protein sequence and biophysical properties (such as structural, functional, and spatial information, amino acid conservation, physicochemical variation, residue mobility, and thermodynamic stability) indicates that this missense variant is not expected to disrupt TSC2 protein function with a negative predictive value of 95%. In summary, the available evidence is currently insufficient to determine the role of this variant in disease. Therefore, it has been classified as a Variant of Uncertain Significance.

GeneDx
Classification: Uncertain significance. Last evaluated: 2019-11-14. Review status: criteria provided, single submitter. Criteria: GeneDx Variant Classification Process June 2021. Collection method: clinical testing. Allele origin: germline. Affected: yes.
Comment: Not observed in large population cohorts (Lek et al., 2016); In silico analysis, which includes protein predictors and evolutionary conservation, supports that this variant does not alter protein structure/function; Has not been previously published as pathogenic or benign to our knowledge